The following is an entry in ClinVar:

NM_005629.4(SLC6A8):c.247T>C (p.Tyr83His)

Gene: SLC6A8 (solute carrier family 6 member 8; plus strand). Cytogenetic location: Xq28.
Variant type: single nucleotide variant.
Coding change: c.247T>C on transcript NM_005629.4 (MANE Select); coding-DNA position 247, T replaced by C.
Protein change: p.Tyr83His; replaces tyrosine 83 with histidine.
Molecular consequence: missense variant.
Genome position (GRCh38, 1-based): chrX:153,688,821, T>C. VCF-style: chrX-153688821-T-C. GRCh37 (hg19) VCF-style: chrX-152954276-T-C.
Other names: c.247T>C, p.Tyr83His (NM_001142805.2); short protein forms Y83H.
Identifiers: ClinVar variation 2663130 (VCV002663130.1), dbSNP rs2522145971, ClinGen allele CA415077092.

ClinVar aggregate classification (germline): Uncertain significance (1 of 4 stars; one submission).

Submission:

GeneDx
Classification: Uncertain significance. Last evaluated: 2023-05-03. Review status: criteria provided, single submitter. Criteria: GeneDx Variant Classification Process June 2021. Collection method: clinical testing. Allele origin: germline. Affected: yes.
Comment: Not observed at significant frequency in large population cohorts (gnomAD); In silico analysis supports that this missense variant has a deleterious effect on protein structure/function; Has not been previously published as pathogenic or benign to our knowledge